The following is an entry in ClinVar:

NM_000245.4(MET):c.4075G>A (p.Val1359Ile)

Gene: MET (MET proto-oncogene, receptor tyrosine kinase; plus strand). Cytogenetic location: 7q31.2.
Variant type: single nucleotide variant.
Coding change: c.4075G>A on transcript NM_000245.4 (MANE Select); coding-DNA position 4075, G replaced by A.
Protein change: p.Val1359Ile; replaces valine 1359 with isoleucine.
Molecular consequence: missense variant.
Genome position (GRCh38, 1-based): chr7:116,796,026, G>A. VCF-style: chr7-116796026-G-A. GRCh37 (hg19) VCF-style: chr7-116436080-G-A.
Other names: c.4129G>A, p.Val1377Ile (NM_001127500.3); c.2785G>A, p.Val929Ile (NM_001324402.2); c.4129G>A (NM_001127500.2, LRG_662t1); short protein forms V1377I, V1359I, V929I.
Identifiers: ClinVar variation 216510 (VCV000216510.23), dbSNP rs752669237, ClinGen allele CA337278.
Genomic context (GRCh38, chr7:116,796,026, plus strand): 5'-GCGATCTTCTCTACTTTCATTGGGGAGCACTATGTCCATGTGAACGCTACTTATGTGAAC[G>A]TAAAATGTGTCGCTCCGTATCCTTCTCTGTTGTCATCAGAAGATAACGCTGATGATGAGG-3'
Protein context (NP_000236.2, residues 1349-1369): YVHVNATYVN[Val1359Ile]KCVAPYPSLL

ClinVar aggregate classification (germline): Conflicting classifications of pathogenicity. Review status: criteria provided, conflicting classifications (1 of 4 stars). 7 submissions from 7 submitters: Uncertain significance (5); Benign (1); Likely benign (1). Last evaluated 2026-03-18.

Conditions:
Renal cell carcinoma. Identifiers: Orphanet 217071, MedGen C0007134, MeSH D002292, MONDO:0005086, HP:0005584.
MET-related disorder. Also called: MET-related condition.
Autosomal recessive nonsyndromic hearing loss 97. Also called: Deafness, autosomal recessive 97. Identifiers: Orphanet 90636, MedGen C4084709, MONDO:0014739, OMIM 616705.
Hereditary cancer-predisposing syndrome. Also called: Neoplastic Syndromes, Hereditary; Tumor predisposition; Hereditary Cancer Syndrome; Hereditary neoplastic syndrome. Identifiers: Orphanet 140162, MedGen C0027672, MeSH D009386, MONDO:0015356.
Papillary renal cell carcinoma type 1 (RCCP1). Also called: Renal adenocarcinoma; Renal cell carcinoma 1; Renal cell carcinoma, somatic; RENAL CELL CARCINOMA, PAPILLARY, 1, SOMATIC. Identifiers: Orphanet 47044, MedGen C1336839, OMIM 605074, HP:0011797.

Allele frequency attached by ClinVar (database versions not stated): gnomAD 0.00005 and 0.00006; TOPMed 0.00005; ExAC 0.00003; gnomAD exomes 0.00004.
gnomAD v4.1: 72 of 1,613,842 alleles (0.0045%); highest among the groups gnomAD compares: Non-Finnish European, 0.0054%; no homozygotes.

Submissions (7):

PreventionGenetics, part of Exact Sciences
Classification: Uncertain significance for MET-related condition. Last evaluated: 2026-03-18. Review status: criteria provided, single submitter. Criteria: ACMG Guidelines, 2015. Collection method: clinical testing. Allele origin: germline.
Comment: The MET c.4129G>A variant is predicted to result in the amino acid substitution p.Val1377Ile. This variant is also known as c.4075G>A (p.Val1359Ile) under the alternative transcript NM_000245. To our knowledge, this variant has not been reported in the literature. This variant is reported in 0.0058% of alleles in individuals of Latino descent in gnomAD. This variant has conflicting interpretations in ClinVar ranging from uncertain to benign (Variation ID: 216510). At this time, the clinical significance of this variant is uncertain due to the absence of conclusive functional and genetic evidence.

Labcorp Genetics (formerly Invitae), Labcorp
Classification: Uncertain significance for Renal cell carcinoma. Last evaluated: 2026-01-06. Review status: criteria provided, single submitter. Criteria: Invitae Variant Classification Sherloc (09022015). Collection method: clinical testing. Allele origin: germline.
Comment: This sequence change replaces valine, which is neutral and non-polar, with isoleucine, which is neutral and non-polar, at codon 1377 of the MET protein (p.Val1377Ile). This variant is present in population databases (rs752669237, gnomAD 0.009%). This variant has not been reported in the literature in individuals affected with MET-related conditions. ClinVar contains an entry for this variant (Variation ID: 216510). Invitae Evidence Modeling of protein sequence and biophysical properties (such as structural, functional, and spatial information, amino acid conservation, physicochemical variation, residue mobility, and thermodynamic stability) indicates that this missense variant is not expected to disrupt MET protein function with a negative predictive value of 80%. In summary, the available evidence is currently insufficient to determine the role of this variant in disease. Therefore, it has been classified as a Variant of Uncertain Significance.

Quest Diagnostics Nichols Institute San Juan Capistrano
Classification: Uncertain significance. Last evaluated: 2024-10-11. Review status: criteria provided, single submitter. Criteria: Quest Diagnostics criteria. Collection method: clinical testing. Allele origin: unknown.
Comment: The MET c.4129G>A (p.Val1377Ile) variant has not been reported in individuals with MET-related conditions in the published literature. The frequency of this variant in the general population, 0.000053 (6/113026 chromosomes (Genome Aggregation Database)), is uninformative in the assessment of its pathogenicity. Analysis of this variant using bioinformatics tools for the prediction of the effect of amino acid changes on protein structure and function yielded predictions that this variant is benign. Based on the available information, we are unable to determine the clinical significance of this variant.

GeneDx
Classification: Uncertain significance. Last evaluated: 2024-04-15. Review status: criteria provided, single submitter. Criteria: GeneDx Variant Classification Process June 2021. Collection method: clinical testing. Allele origin: germline. Affected: yes.
Comment: In silico analysis indicates that this missense variant does not alter protein structure/function; Has not been previously published as pathogenic or benign to our knowledge

Baylor Genetics
Classification: Uncertain significance for Autosomal recessive nonsyndromic hearing loss 97. Last evaluated: 2023-11-13. Review status: criteria provided, single submitter. Criteria: ACMG Guidelines, 2015. Collection method: clinical testing. Allele origin: unknown.

Ambry Genetics
Classification: Likely benign for Hereditary cancer-predisposing syndrome. Last evaluated: 2020-02-05. Review status: criteria provided, single submitter. Criteria: Ambry Variant Classification Scheme 2023. Collection method: clinical testing. Allele origin: germline.

Illumina Laboratory Services, Illumina
Classification: Benign for Papillary renal cell carcinoma type 1. Last evaluated: 2018-01-12. Review status: criteria provided, single submitter. Criteria: ICSL Variant Classification Criteria 13 December 2019. Collection method: clinical testing. Allele origin: germline.
Comment: This variant was observed in the ICSL laboratory as part of a predisposition screen in an ostensibly healthy population. It had not been previously curated by ICSL or reported in the Human Gene Mutation Database (HGMD: prior to June 1st, 2018), and was therefore a candidate for classification through an automated scoring system. Utilizing variant allele frequency, disease prevalence and penetrance estimates, and inheritance mode, an automated score was calculated to assess if this variant is too frequent to cause the disease. Based on the score and internal cut-off values, a variant classified as benign is not then subjected to further curation. The score for this variant resulted in a classification of benign for this disease.